The following is an entry in ClinVar:

NM_005228.5(EGFR):c.3230T>G (p.Leu1077Trp)

Gene: EGFR (epidermal growth factor receptor; plus strand). Cytogenetic location: 7p11.2.
Variant type: single nucleotide variant.
Coding change: c.3230T>G on transcript NM_005228.5 (MANE Select); coding-DNA position 3230, T replaced by G.
Protein change: p.Leu1077Trp; replaces leucine 1077 with tryptophan.
Molecular consequence: missense variant.
Genome position (GRCh38, 1-based): chr7:55,202,584, T>G. VCF-style: chr7-55202584-T-G. GRCh37 (hg19) VCF-style: chr7-55270277-T-G.
Other names: c.3095T>G, p.Leu1032Trp (NM_001346897.2, NM_001346899.2); c.3230T>G, p.Leu1077Trp (NM_001346898.2); c.3071T>G, p.Leu1024Trp (NM_001346900.2); c.2429T>G, p.Leu810Trp (NM_001346941.2); short protein forms L1024W, L1032W, L1077W, L810W.
Identifiers: ClinVar variation 4640104 (VCV004640104.1).

ClinVar aggregate classification (germline): Uncertain significance (1 of 4 stars; one submission).

Conditions:
Hereditary cancer-predisposing syndrome. Also called: Neoplastic Syndromes, Hereditary; Tumor predisposition; Hereditary Cancer Syndrome; Hereditary neoplastic syndrome. Identifiers: Orphanet 140162, MedGen C0027672, MeSH D009386, MONDO:0015356.

Submission:

Ambry Genetics
Classification: Uncertain significance for Hereditary cancer-predisposing syndrome. Last evaluated: 2025-12-13. Review status: criteria provided, single submitter. Criteria: Ambry Variant Classification Scheme 2023. Collection method: clinical testing. Allele origin: germline.
Comment: The p.L1077W variant (also known as c.3230T>G), located in coding exon 27 of the EGFR gene, results from a T to G substitution at nucleotide position 3230. The leucine at codon 1077 is replaced by tryptophan, an amino acid with similar properties. This amino acid position is conserved. In addition, this alteration is predicted to be tolerated by in silico analysis. Based on the available evidence, the clinical significance of this variant remains unclear.